The following is an entry in ClinVar:

ClinVar aggregate classification (germline): Uncertain significance. Review status: criteria provided, multiple submitters, no conflicts (2 of 4 stars). 2 submissions from 2 submitters: Uncertain significance (2). Last evaluated 2026-08-08.

Allele frequency attached by ClinVar (database versions not stated): gnomAD 0.00001; gnomAD exomes below 0.00001.
gnomAD v4.1: 3 of 1,597,830 alleles (0.00019%); highest among the groups gnomAD compares: African/African-American, 0.004%; no homozygotes.

Submissions (2):

Ambry Genetics
Classification: Uncertain significance. Last evaluated: 2026-08-08. Review status: criteria provided, single submitter. Criteria: Ambry Variant Classification Scheme 2023. Collection method: clinical testing. Allele origin: germline.
Comment: The p.L199P variant (also known as c.596T>C), located in coding exon 3 of the GFI1 gene, results from a T to C substitution at nucleotide position 596. The leucine at codon 199 is replaced by proline, an amino acid with similar properties. This amino acid position is conserved. In addition, this alteration is predicted to be tolerated by in silico analysis. Based on the available evidence, the clinical significance of this variant remains unclear.

Genetic Services Laboratory, University of Chicago
Classification: Uncertain significance. Last evaluated: 2021-06-28. Review status: criteria provided, single submitter. Criteria: ACMG Guidelines, 2015. Collection method: clinical testing. Allele origin: germline. Affected: no.
Comment: DNA sequence analysis of the GFI1 gene demonstrated a sequence change, c.596T>C, in exon 4 that results in an amino acid change, p.Leu199Pro This sequence change has been described in one individual in the gnomAD database (frequency of 0.012% in the African/African American subpopulation, dbSNP rs1291583681). The p.Leu199Pro change affects a moderately conserved amino acid residue located in a domain of the GFI1 protein that is not known to be functional. In-silico pathogenicity prediction tools (SIFT, PolyPhen2, Align GVGD, REVEL) provide contradictory results for the p.Leu199Pro substitution. This sequence change does not appear to have been previously described in individuals with GFI1-related disorders. Due to insufficient evidences and the lack of functional studies, the clinical significance of the p.Leu199Pro change remains unknown at this time.

NM_005263.5(GFI1):c.596T>C (p.Leu199Pro)

Gene: GFI1 (growth factor independent 1 transcriptional repressor; minus strand). Cytogenetic location: 1p22.1.
Variant type: single nucleotide variant.
Coding change: c.596T>C on transcript NM_005263.5 (MANE Select); coding-DNA position 596, T replaced by C.
Protein change: p.Leu199Pro; replaces leucine 199 with proline.
Molecular consequence: missense variant.
Genome position (GRCh38, 1-based): chr1:92,480,791, A>G on the plus strand (T>C on the coding strand, the complement: GFI1 is on the minus strand). VCF-style: chr1-92480791-A-G. GRCh37 (hg19) VCF-style: chr1-92946348-A-G.
Other names: c.596T>C (NM_005263.3); c.596T>C, p.Leu199Pro (NM_001127215.3, NM_001127216.3); short protein forms L199P.
Identifiers: ClinVar variation 1338004 (VCV001338004.5), dbSNP rs1291583681, ClinGen allele CA341149522.